The following is an entry in ClinVar:

ClinVar aggregate classification (germline): Pathogenic (1 of 4 stars; one submission).

Conditions:
Cerebral cavernous malformation 3. Also called: Familial Cerebral Cavernous Malformation 3. Identifiers: Orphanet 221061, MedGen C1864040, MONDO:0011305, OMIM 603285.

Submission:

Labcorp Genetics (formerly Invitae), Labcorp
Classification: Pathogenic for Cerebral cavernous malformation 3. Last evaluated: 2023-11-18. Review status: criteria provided, single submitter. Criteria: Invitae Variant Classification Sherloc (09022015). Collection method: clinical testing. Allele origin: germline.
Comment: This sequence change results in a frameshift in the PDCD10 gene (p.Ile198Asnfs*31). While this is not anticipated to result in nonsense mediated decay, it is expected to disrupt the last 15 amino acid(s) of the PDCD10 protein and extend the protein by 15 additional amino acid residues. This variant is not present in population databases (gnomAD no frequency). This frameshift has been observed in individual(s) with cerebral cavernous malformation (Invitae). This variant disrupts a region of the PDCD10 protein in which other variant(s) (p.Leu203*) have been determined to be pathogenic (PMID: 16329096). This suggests that this is a clinically significant region of the protein, and that variants that disrupt it are likely to be disease-causing. For these reasons, this variant has been classified as Pathogenic.

Literature cited by the submitters: PubMed 16329096.

NM_007217.4(PDCD10):c.592dup (p.Ile198fs)

Gene: PDCD10 (programmed cell death 10; minus strand). Cytogenetic location: 3q26.1.
Variant type: Duplication.
Coding change: c.592dup on transcript NM_007217.4 (MANE Select); coding-DNA position 592, one base duplicated (A; older notation c.592dupA).
Protein change: p.Ile198fs; shifts the reading frame from isoleucine 198.
Molecular consequence: frameshift variant.
Genome position (GRCh38, 1-based): chr3:167,684,355, T duplicated on the plus strand (A on the coding strand, the reverse complement: PDCD10 is on the minus strand); the first of 2 consecutive T bases (chr3:167,684,355-167,684,356); duplicating either gives the same sequence. VCF-style (leftmost placement, unchanged base first): chr3-167684354-A-AT. GRCh37 (hg19) VCF-style: chr3-167402142-A-AT.
Other names: c.592dup, p.Ile198fs (NM_145859.2, NM_145860.2); short protein forms I198fs.
Identifiers: ClinVar variation 2746295 (VCV002746295.3), dbSNP rs2475629515, ClinGen allele CA2697556972.